The following is an entry in ClinVar:

ClinVar aggregate classification (germline): Uncertain significance (1 of 4 stars; one submission).

Conditions:
Snijders blok-fisher syndrome. Identifiers: Orphanet 656135, MedGen C5231424, MONDO:0032830, OMIM 618604.

Submission:

Human Genetics Bochum, Ruhr University Bochum
Classification: Uncertain significance for Snijders blok-fisher syndrome. Last evaluated: 2023-02-23. Review status: criteria provided, single submitter. Criteria: ACMG Guidelines, 2015. Collection method: clinical testing. Allele origin: germline. Affected: yes.
Comment: ACMG criteria used to clasify this variant: PVS1_STR, PM2_SUP

NM_006236.3(POU3F3):c.1207C>T (p.Gln403Ter)

Gene: POU3F3 (POU class 3 homeobox 3; plus strand). Cytogenetic location: 2q12.1.
Variant type: single nucleotide variant.
Coding change: c.1207C>T on transcript NM_006236.3 (MANE Select); coding-DNA position 1207, C replaced by T.
Protein change: p.Gln403Ter; replaces glutamine 403 with a stop codon.
Molecular consequence: nonsense.
Genome position (GRCh38, 1-based): chr2:104,856,717, C>T. VCF-style: chr2-104856717-C-T. GRCh37 (hg19) VCF-style: chr2-105473175-C-T.
Other names: short protein forms Q403*.
Identifiers: ClinVar variation 3027431 (VCV003027431.1), dbSNP rs2466876788, ClinGen allele CA348098447.
Genomic context (GRCh38, chr2:104,856,717, plus strand): 5'-TGGCTGGAGGAGGCGGACTCAAGCACCGGCAGCCCCACAAGCATCGACAAGATCGCGGCG[C>T]AGGGCCGCAAGCGCAAGAAGCGGACCTCTATCGAGGTGAGCGTCAAGGGCGCGCTGGAGA-3'